The following is an entry in ClinVar:

ClinVar aggregate classification (germline): Likely benign (1 of 4 stars; one submission).

Allele frequency attached by ClinVar (database versions not stated): ExAC 0.00001; gnomAD 0.00001; gnomAD exomes 0.00002; TOPMed 0.00002.
gnomAD v4.1: 27 of 1,207,904 alleles (0.0022%); highest among the groups gnomAD compares: Non-Finnish European, 0.0028%; no homozygotes.

Submission:

CeGaT Center for Human Genetics Tuebingen
Classification: Likely benign. Last evaluated: 2023-11-01. Review status: criteria provided, single submitter. Criteria: CeGaT Center For Human Genetics Tuebingen Variant Classification Criteria Version 2. Collection method: clinical testing. Allele origin: germline. Affected: yes. Observed: 1 variant allele.
Comment: AFF2: BP4

NM_002025.4(AFF2):c.2719A>G (p.Arg907Gly)

Gene: AFF2 (ALF transcription elongation factor 2; plus strand). Cytogenetic location: Xq28.
Variant type: single nucleotide variant.
Coding change: c.2719A>G on transcript NM_002025.4 (MANE Select); coding-DNA position 2719, A replaced by G.
Protein change: p.Arg907Gly; replaces arginine 907 with glycine.
Molecular consequence: missense variant.
Genome position (GRCh38, 1-based): chrX:148,962,743, A>G. VCF-style: chrX-148962743-A-G. GRCh37 (hg19) VCF-style: chrX-148044273-A-G.
Other names: c.2620A>G, p.Arg874Gly (NM_001169122.2); c.2689A>G, p.Arg897Gly (NM_001169123.2); c.2614A>G, p.Arg872Gly (NM_001169124.2); c.2602A>G, p.Arg868Gly (NM_001169125.2); c.1642A>G, p.Arg548Gly (NM_001170628.1); short protein forms R548G, R868G, R872G, R874G, R897G, R907G.
Identifiers: ClinVar variation 2673263 (VCV002673263.23), dbSNP rs782715615, ClinGen allele CA10537194.